The following is an entry in ClinVar:

NM_032383.5(HPS3):c.2278_2279del (p.Asp760fs)

Gene: HPS3 (HPS3 biogenesis of lysosomal organelles complex 2 subunit 1; plus strand). Cytogenetic location: 3q24.
Variant type: Deletion.
Coding change: c.2278_2279del on transcript NM_032383.5 (MANE Select); coding-DNA positions 2278 to 2279, 2 bases deleted (GA; older notation c.2278_2279delGA).
Protein change: p.Asp760fs; shifts the reading frame from aspartic acid 760.
Molecular consequence: frameshift variant.
Genome position (GRCh38, 1-based): chr3:149,162,319-149,162,320, GA deleted; deleting any 2 consecutive bases within chr3:149,162,318-149,162,320 gives the same sequence; the c. name uses the placement nearest the transcript's 3' end. VCF-style (leftmost placement, unchanged base first): chr3-149162317-CAG-C. GRCh37 (hg19) VCF-style: chr3-148880104-CAG-C.
Other names: c.1783_1784del, p.Asp595fs (NM_001308258.2); short protein forms D595fs, D760fs.
Identifiers: ClinVar variation 2819904 (VCV002819904.3), dbSNP rs2473120848, ClinGen allele CA2739277874.

ClinVar aggregate classification (germline): Pathogenic (1 of 4 stars; one submission).

Submission:

Labcorp Genetics (formerly Invitae), Labcorp
Classification: Pathogenic. Last evaluated: 2023-08-28. Review status: criteria provided, single submitter. Criteria: Invitae Variant Classification Sherloc (09022015). Collection method: clinical testing. Allele origin: germline.
Comment: This sequence change creates a premature translational stop signal (p.Asp760Phefs*4) in the HPS3 gene. It is expected to result in an absent or disrupted protein product. Loss-of-function variants in HPS3 are known to be pathogenic (PMID: 11590544). This variant is not present in population databases (gnomAD no frequency). This variant has not been reported in the literature in individuals affected with HPS3-related conditions. For these reasons, this variant has been classified as Pathogenic.

Literature cited by the submitters: PubMed 11590544.